The following is an entry in ClinVar:

NM_032043.3(BRIP1):c.2733del (p.Thr912fs)

Gene: BRIP1 (BRCA1 interacting DNA helicase 1; minus strand). Cytogenetic location: 17q23.2.
Variant type: Deletion.
Coding change: c.2733del on transcript NM_032043.3 (MANE Select); coding-DNA position 2733, one base deleted (G; older notation c.2733delG).
Protein change: p.Thr912fs; shifts the reading frame from threonine 912.
Molecular consequence: frameshift variant.
Genome position (GRCh38, 1-based): chr17:61,686,008, C deleted on the plus strand (G on the coding strand, the reverse complement: BRIP1 is on the minus strand). VCF-style (leftmost placement, unchanged base first): chr17-61686007-TC-T. GRCh37 (hg19) VCF-style: chr17-59763368-TC-T.
Other names: short protein forms T912fs.
Identifiers: ClinVar variation 2946081 (VCV002946081.3), dbSNP rs2544572293, ClinGen allele CA2740093843.
Genomic context (GRCh38, chr17:61,686,007, plus strand): 5'-CTGGTGATAGATGACTTGCTGCTTCCAGTAAATAAGGTGAGGTACTGTACTTTAAAGAGG[TC>T]ACTTCAAGTGTAGACTCATTGTCCTGTATATTGGTTCTGTCCTTTATGGATACATTAAGA-3'

ClinVar aggregate classification (germline): Pathogenic (1 of 4 stars; one submission).

Conditions:
Fanconi anemia complementation group J. Also called: BRIP1-Related Fanconi Anemia. Identifiers: Orphanet 84, MedGen C1836860, MONDO:0012187, OMIM 609054.
Familial cancer of breast. Also called: BREAST CANCER, FAMILIAL; Hereditary breast cancer; hereditary breast carcinoma. Identifiers: Orphanet 227535, MedGen C0346153, MONDO:0016419, OMIM 114480. Disease mechanism: loss of function.

Submission:

Labcorp Genetics (formerly Invitae), Labcorp
Classification: Pathogenic for Familial cancer of breast; Fanconi anemia complementation group J. Last evaluated: 2023-04-03. Review status: criteria provided, single submitter. Criteria: Invitae Variant Classification Sherloc (09022015). Collection method: clinical testing. Allele origin: germline.
Comment: This sequence change creates a premature translational stop signal (p.Thr912Profs*3) in the BRIP1 gene. It is expected to result in an absent or disrupted protein product. Loss-of-function variants in BRIP1 are known to be pathogenic (PMID: 16116423, 17033622, 21964575). This variant is not present in population databases (gnomAD no frequency). This variant has not been reported in the literature in individuals affected with BRIP1-related conditions. For these reasons, this variant has been classified as Pathogenic.

Literature cited by the submitters: PubMed 16116423; PubMed 17033622; PubMed 21964575.